The following is an entry in ClinVar:

NM_020433.5(JPH2):c.665A>G (p.Gln222Arg)

Gene: JPH2 (junctophilin 2; minus strand). Cytogenetic location: 20q13.12.
Variant type: single nucleotide variant.
Coding change: c.665A>G on transcript NM_020433.5 (MANE Select); coding-DNA position 665, A replaced by G.
Protein change: p.Gln222Arg; replaces glutamine 222 with arginine.
Molecular consequence: missense variant.
Genome position (GRCh38, 1-based): chr20:44,160,122, T>C on the plus strand (A>G on the coding strand, the complement: JPH2 is on the minus strand). VCF-style: chr20-44160122-T-C. GRCh37 (hg19) VCF-style: chr20-42788762-T-C.
Other names: short protein forms Q222R.
Identifiers: ClinVar variation 518773 (VCV000518773.12), dbSNP rs766395991, ClinGen allele CA9868831.

ClinVar aggregate classification (germline): Conflicting classifications of pathogenicity. Review status: criteria provided, conflicting classifications (1 of 4 stars). 2 submissions from 2 submitters: Uncertain significance (1); Likely benign (1). Last evaluated 2025-05-29.

Conditions:
Cardiovascular phenotype. Identifiers: MedGen CN230736.
Hypertrophic cardiomyopathy. Also called: HYPERTROPHIC MYOCARDIOPATHY. Identifiers: Orphanet 217569, MedGen C0007194, MeSH D002312, MONDO:0005045, HP:0001639.

Allele frequency attached by ClinVar (database versions not stated): TOPMed below 0.00001; gnomAD 0.00001; gnomAD exomes 0.00001; ExAC 0.00013.
gnomAD v4.1: 17 of 1,505,552 alleles (0.0011%); highest among the groups gnomAD compares: Middle Eastern, 0.043%; no homozygotes.

Submissions (2):

Labcorp Genetics (formerly Invitae), Labcorp
Classification: Uncertain significance for Hypertrophic cardiomyopathy. Last evaluated: 2025-05-29. Review status: criteria provided, single submitter. Criteria: Invitae Variant Classification Sherloc (09022015). Collection method: clinical testing. Allele origin: germline.
Comment: This sequence change replaces glutamine, which is neutral and polar, with arginine, which is basic and polar, at codon 222 of the JPH2 protein (p.Gln222Arg). This variant is present in population databases (rs766395991, gnomAD 0.008%). This variant has not been reported in the literature in individuals affected with JPH2-related conditions. ClinVar contains an entry for this variant (Variation ID: 518773). An algorithm developed to predict the effect of missense changes on protein structure and function (PolyPhen-2) suggests that this variant is likely to be tolerated. In summary, the available evidence is currently insufficient to determine the role of this variant in disease. Therefore, it has been classified as a Variant of Uncertain Significance.

Ambry Genetics
Classification: Likely benign for Cardiovascular phenotype. Last evaluated: 2024-04-21. Review status: criteria provided, single submitter. Criteria: Ambry Variant Classification Scheme 2023. Collection method: clinical testing. Allele origin: germline.